The following is an entry in ClinVar:

NM_004656.4(BAP1):c.356C>A (p.Thr119Asn)

Gene: BAP1 (BRCA1 associated deubiquitinase 1; minus strand). Cytogenetic location: 3p21.1.
Variant type: single nucleotide variant.
Coding change: c.356C>A on transcript NM_004656.4 (MANE Select); coding-DNA position 356, C replaced by A.
Protein change: p.Thr119Asn; replaces threonine 119 with asparagine.
Molecular consequence: missense variant.
Genome position (GRCh38, 1-based): chr3:52,407,977, G>T on the plus strand (C>A on the coding strand, the complement: BAP1 is on the minus strand). VCF-style: chr3-52407977-G-T. GRCh37 (hg19) VCF-style: chr3-52441993-G-T.
Other names: c.356C>A, p.Thr119Asn (NM_001410772.1); short protein forms T119N.
Identifiers: ClinVar variation 4620714 (VCV004620714.1).

ClinVar aggregate classification (germline): Uncertain significance (1 of 4 stars; one submission).

Conditions:
Hereditary cancer-predisposing syndrome. Also called: Neoplastic Syndromes, Hereditary; Tumor predisposition; Hereditary Cancer Syndrome; Hereditary neoplastic syndrome. Identifiers: Orphanet 140162, MedGen C0027672, MeSH D009386, MONDO:0015356.

Submission:

Ambry Genetics
Classification: Uncertain significance for Hereditary cancer-predisposing syndrome. Last evaluated: 2025-11-10. Review status: criteria provided, single submitter. Criteria: Ambry Variant Classification Scheme 2023. Collection method: clinical testing. Allele origin: germline.
Comment: The p.T119N variant (also known as c.356C>A), located in coding exon 5 of the BAP1 gene, results from a C to A substitution at nucleotide position 356. The threonine at codon 119 is replaced by asparagine, an amino acid with similar properties. This amino acid position is conserved. In addition, the in silico prediction for this alteration is inconclusive. Based on the available evidence, the clinical significance of this variant remains unclear.